The following is an entry in ClinVar:

NM_015665.6(AAAS):c.689+1G>T

Gene: AAAS (aladin WD repeat nucleoporin; minus strand). Cytogenetic location: 12q13.13.
Variant type: single nucleotide variant.
Coding change: c.689+1G>T on transcript NM_015665.6 (MANE Select); the canonical splice donor site of the intron after coding-DNA position 689, G replaced by T.
Molecular consequence: splice donor variant.
Genome position (GRCh38, 1-based): chr12:53,314,297, C>A on the plus strand (G>T on the coding strand, the complement: AAAS is on the minus strand). VCF-style: chr12-53314297-C-A. GRCh37 (hg19) VCF-style: chr12-53708081-C-A.
Other names: c.590+1G>T (NM_001173466.2).
Identifiers: ClinVar variation 2861598 (VCV002861598.3), dbSNP rs1245310422, ClinGen allele CA385042852.

ClinVar aggregate classification (germline): Likely pathogenic (1 of 4 stars; one submission).

Allele frequency attached by ClinVar (database versions not stated): gnomAD exomes below 0.00001.
gnomAD v4.1: 2 of 1,614,130 alleles (0.00012%); highest among the groups gnomAD compares: Non-Finnish European, 0.00017%; no homozygotes.

Submission:

Labcorp Genetics (formerly Invitae), Labcorp
Classification: Likely pathogenic. Last evaluated: 2023-05-02. Review status: criteria provided, single submitter. Criteria: Invitae Variant Classification Sherloc (09022015). Collection method: clinical testing. Allele origin: germline.
Comment: This sequence change affects a donor splice site in intron 7 of the AAAS gene. It is expected to disrupt RNA splicing. Variants that disrupt the donor or acceptor splice site typically lead to a loss of protein function (PMID: 16199547), and loss-of-function variants in AAAS are known to be pathogenic (PMID: 11159947). This variant is not present in population databases (gnomAD no frequency). Disruption of this splice site has been observed in individual(s) with clinical features of triple A syndrome (PMID: 23926405, 34258490). In summary, the currently available evidence indicates that the variant is pathogenic, but additional data are needed to prove that conclusively. Therefore, this variant has been classified as Likely Pathogenic. Algorithms developed to predict the effect of sequence changes on RNA splicing suggest that this variant may disrupt the consensus splice site.

Literature cited by the submitters: PubMed 16199547; PubMed 11159947; PubMed 23926405; PubMed 34258490.